The following is an entry in ClinVar:

ClinVar aggregate classification (germline): Conflicting classifications of pathogenicity. Review status: criteria provided, conflicting classifications (1 of 4 stars). 2 submissions from 2 submitters: Uncertain significance (1); Likely benign (1). Last evaluated 2022-05-22.

Conditions:
Brittle cornea syndrome 1 (BCS1). Also called: CORNEAL FRAGILITY, KERATOGLOBUS, BLUE SCLERAE, JOINT HYPEREXTENSIBILITY; EDS6B; FRAGILITAS OCULI WITH JOINT HYPEREXTENSIBILITY; Corneal fragility keratoglobus, blue sclerae AND joint hypermobility; DYSGENESIS MESODERMALIS CORNEAE ET SCLERAE. Identifiers: Orphanet 90354, MedGen C0268344, MONDO:0024543, OMIM 229200.

Allele frequency attached by ClinVar (database versions not stated): gnomAD 0.00001; gnomAD exomes 0.00001; TOPMed 0.00001; 1000 Genomes Project 30x 0.00016; 1000 Genomes Project 0.00040.
gnomAD v4.1: 11 of 1,549,566 alleles (0.00071%); highest among the groups gnomAD compares: South Asian, 0.0048%; no homozygotes.

Submissions (2):

Labcorp Genetics (formerly Invitae), Labcorp
Classification: Uncertain significance. Last evaluated: 2022-05-22. Review status: criteria provided, single submitter. Criteria: Invitae Variant Classification Sherloc (09022015). Collection method: clinical testing. Allele origin: germline.
Comment: This sequence change replaces proline, which is neutral and non-polar, with threonine, which is neutral and polar, at codon 2928 of the ZNF469 protein (p.Pro2928Thr). This variant is present in population databases (rs575854370, gnomAD 0.009%). This variant has not been reported in the literature in individuals affected with ZNF469-related conditions. Algorithms developed to predict the effect of missense changes on protein structure and function are either unavailable or do not agree on the potential impact of this missense change (SIFT: "Deleterious"; PolyPhen-2: "Benign"; Align-GVGD: "Class C0"). In summary, the available evidence is currently insufficient to determine the role of this variant in disease. Therefore, it has been classified as a Variant of Uncertain Significance.

Institute of Human Genetics, University Hospital of Duesseldorf
Classification: Likely benign for Brittle cornea syndrome 1. Review status: criteria provided, single submitter. Criteria: ACMG Guidelines, 2015. Collection method: not provided. Allele origin: germline. Inheritance: Autosomal recessive inheritance. Affected: yes.

NM_001367624.2(ZNF469):c.8866C>A (p.Pro2956Thr)

Gene: ZNF469 (zinc finger protein 469; plus strand). Cytogenetic location: 16q24.2.
Variant type: single nucleotide variant.
Coding change: c.8866C>A on transcript NM_001367624.2 (MANE Select); coding-DNA position 8866, C replaced by A.
Protein change: p.Pro2956Thr; replaces proline 2956 with threonine.
Molecular consequence: missense variant.
Genome position (GRCh38, 1-based): chr16:88,436,336, C>A. VCF-style: chr16-88436336-C-A. GRCh37 (hg19) VCF-style: chr16-88502744-C-A.
Other names: short protein forms P2956T.
Identifiers: ClinVar variation 1912644 (VCV001912644.3), dbSNP rs575854370, ClinGen allele CA8225384.